The following is an entry in ClinVar:

NM_012275.3(IL36RN):c.*946T>C

Gene: IL36RN (interleukin 36 receptor antagonist; plus strand). Cytogenetic location: 2q14.1.
Variant type: single nucleotide variant.
Coding change: c.*946T>C on transcript NM_012275.3 (MANE Select); 946 bases downstream of the stop codon, T replaced by C.
Molecular consequence: 3 prime UTR variant.
Genome position (GRCh38, 1-based): chr2:113,063,623, T>C. VCF-style: chr2-113063623-T-C. GRCh37 (hg19) VCF-style: chr2-113821200-T-C.
Other names: c.*946T>C (NM_173170.1).
Identifiers: ClinVar variation 330798 (VCV000330798.6), dbSNP rs957201, ClinGen allele CA10610603.

ClinVar aggregate classification (germline): Benign. Review status: criteria provided, multiple submitters, no conflicts (2 of 4 stars). 2 submissions from 2 submitters: Benign (2). Last evaluated 2018-01-12.

Conditions:
Generalized pustular psoriasis. Identifiers: Orphanet 247353, MedGen C0343055, MONDO:0100491.

Allele frequency attached by ClinVar (database versions not stated): gnomAD 0.64647 and 0.65134; TOPMed 0.65788; 1000 Genomes Project 30x 0.71393; 1000 Genomes Project 0.71526.

Submissions (2):

Illumina Laboratory Services, Illumina
Classification: Benign for Acrodermatitis continua suppurativa of Hallopeau. Last evaluated: 2018-01-12. Review status: criteria provided, single submitter. Criteria: ICSL Variant Classification Criteria 13 December 2019. Collection method: clinical testing. Allele origin: germline.
Comment: This variant was observed in the ICSL laboratory as part of a predisposition screen in an ostensibly healthy population. It had not been previously curated by ICSL or reported in the Human Gene Mutation Database (HGMD: prior to June 1st, 2018), and was therefore a candidate for classification through an automated scoring system. Utilizing variant allele frequency, disease prevalence and penetrance estimates, and inheritance mode, an automated score was calculated to assess if this variant is too frequent to cause the disease. Based on the score and internal cut-off values, a variant classified as benign is not then subjected to further curation. The score for this variant resulted in a classification of benign for this disease.

Breakthrough Genomics
Classification: Benign. Review status: criteria provided, single submitter. Criteria: ACMG Guidelines, 2015. Collection method: not provided. Allele origin: germline. Inheritance: Autosomal recessive inheritance. Affected: yes.